The following is an entry in ClinVar:

NM_005909.5(MAP1B):c.7191del (p.Ser2398fs)

Gene: MAP1B (microtubule associated protein 1B; plus strand). Cytogenetic location: 5q13.2.
Variant type: Deletion.
Coding change: c.7191del on transcript NM_005909.5 (MANE Select); coding-DNA position 7191, one base deleted (C; older notation c.7191delC).
Protein change: p.Ser2398fs; shifts the reading frame from serine 2398.
Molecular consequence: frameshift variant.
Genome position (GRCh38, 1-based): chr5:72,203,741, C deleted; the last of 3 consecutive C bases (chr5:72,203,739-72,203,741); deleting any one gives the same sequence. VCF-style (leftmost placement, unchanged base first): chr5-72203738-GC-G. GRCh37 (hg19) VCF-style: chr5-71499565-GC-G.
Other names: c.6813del, p.Ser2272fs (NM_001324255.2); short protein forms S2272fs, S2398fs.
Identifiers: ClinVar variation 3338097 (VCV003338097.1).

ClinVar aggregate classification (germline): Likely pathogenic (0 of 4 stars; one submission).

Conditions:
Periventricular nodular heterotopia 9. Identifiers: MedGen C5394503, MONDO:0030061, OMIM 618918.

Submission:

Solve-RD Consortium
Classification: Likely pathogenic for Periventricular nodular heterotopia 9. Last evaluated: 2022-06-01. Review status: no assertion criteria provided. Collection method: provider interpretation. Allele origin: de novo. Affected: yes.
Comment: Variant confirmed as disease-causing by referring clinical team

Variant identified during reanalysis of unsolved cases by the Solve-RD project. The Solve-RD project has received funding from the European Union’s Horizon 2020 research and innovation programme under grant agreement No 779257.

Literature cited by the submitters: PubMed 39825153.